The following is an entry in ClinVar:

ClinVar aggregate classification (germline): Uncertain significance. Review status: criteria provided, multiple submitters, no conflicts (2 of 4 stars). 2 submissions from 2 submitters: Uncertain significance (2). Last evaluated 2025-09-28.

Conditions:
Inborn genetic diseases. Identifiers: MedGen C0950123, MeSH D030342.

Allele frequency attached by ClinVar (database versions not stated): gnomAD 0.00001; gnomAD exomes 0.00002; ExAC 0.00003; TOPMed 0.00003; ESP Exome Variant Server 0.00008.
gnomAD v4.1: 67 of 1,613,868 alleles (0.0042%); highest among the groups gnomAD compares: Non-Finnish European, 0.0049%; 1 homozygote.

Submissions (2):

Ambry Genetics
Classification: Uncertain significance for Inborn genetic diseases. Last evaluated: 2025-09-28. Review status: criteria provided, single submitter. Criteria: Ambry Variant Classification Scheme 2023. Collection method: clinical testing. Allele origin: germline.

Labcorp Genetics (formerly Invitae), Labcorp
Classification: Uncertain significance. Last evaluated: 2023-05-08. Review status: criteria provided, single submitter. Criteria: Invitae Variant Classification Sherloc (09022015). Collection method: clinical testing. Allele origin: germline.
Comment: This sequence change replaces isoleucine, which is neutral and non-polar, with threonine, which is neutral and polar, at codon 452 of the TRPM1 protein (p.Ile452Thr). In summary, the available evidence is currently insufficient to determine the role of this variant in disease. Therefore, it has been classified as a Variant of Uncertain Significance. Advanced modeling of protein sequence and biophysical properties (such as structural, functional, and spatial information, amino acid conservation, physicochemical variation, residue mobility, and thermodynamic stability) has been performed at Invitae for this missense variant, however the output from this modeling did not meet the statistical confidence thresholds required to predict the impact of this variant on TRPM1 protein function. ClinVar contains an entry for this variant (Variation ID: 1053387). This variant has not been reported in the literature in individuals affected with TRPM1-related conditions. This variant is present in population databases (rs372155877, gnomAD 0.007%).

NM_001252024.2(TRPM1):c.1421T>C (p.Ile474Thr)

Gene: TRPM1 (transient receptor potential cation channel subfamily M member 1; minus strand). Cytogenetic location: 15q13.3.
Variant type: single nucleotide variant.
Coding change: c.1421T>C on transcript NM_001252024.2 (MANE Select); coding-DNA position 1421, T replaced by C.
Protein change: p.Ile474Thr; replaces isoleucine 474 with threonine.
Molecular consequence: missense variant.
Genome position (GRCh38, 1-based): chr15:31,050,425, A>G on the plus strand (T>C on the coding strand, the complement: TRPM1 is on the minus strand). VCF-style: chr15-31050425-A-G. GRCh37 (hg19) VCF-style: chr15-31342628-A-G.
Other names: c.1355T>C (NM_002420.4); c.1472T>C, p.Ile491Thr (NM_001252020.2); c.1355T>C, p.Ile452Thr (NM_002420.6); short protein forms I452T, I474T, I491T.
Identifiers: ClinVar variation 1053387 (VCV001053387.10), dbSNP rs372155877, ClinGen allele CA7452578.